The following is an entry in ClinVar:

NM_032217.5(ANKRD17):c.162G>A (p.Met54Ile)

Genes: ANKRD17 (ankyrin repeat domain 17; minus strand), LOC129992670 (ATAC-STARR-seq lymphoblastoid silent region 15476; plus strand). Cytogenetic location: 4q13.3.
Variant type: single nucleotide variant.
Coding change: c.162G>A on transcript NM_032217.5 (MANE Select); coding-DNA position 162, G replaced by A.
Protein change: p.Met54Ile; replaces methionine 54 with isoleucine.
Molecular consequence: missense variant.
Genome position (GRCh38, 1-based): chr4:73,258,507, C>T on the plus strand (G>A on the coding strand, the complement: ANKRD17 is on the minus strand). VCF-style: chr4-73258507-C-T. GRCh37 (hg19) VCF-style: chr4-74124224-C-T.
Other names: c.162G>A, p.Met54Ile (NM_015574.2, NM_198889.3); short protein forms M54I.
Identifiers: ClinVar variation 4536418 (VCV004536418.1).

ClinVar aggregate classification (germline): Uncertain significance (1 of 4 stars; one submission).

Submission:

GeneDx
Classification: Uncertain significance. Last evaluated: 2025-06-04. Review status: criteria provided, single submitter. Criteria: GeneDx Variant Classification Process June 2021. Collection method: clinical testing. Allele origin: germline. Affected: yes.
Comment: Not observed at significant frequency in large population cohorts (gnomAD); In silico analysis suggests that this missense variant does not alter protein structure/function; Has not been previously published as pathogenic or benign to our knowledge